The following is an entry in ClinVar:

ClinVar aggregate classification (germline): Uncertain significance. Review status: criteria provided, multiple submitters, no conflicts (2 of 4 stars). 2 submissions from 2 submitters: Uncertain significance (2). Last evaluated 2025-02-20.

gnomAD v4.1: 1 of 1,613,246 alleles (0.000062%); highest among the groups gnomAD compares: Non-Finnish European, 0.000085%; no homozygotes.

Submissions (2):

Labcorp Genetics (formerly Invitae), Labcorp
Classification: Uncertain significance. Last evaluated: 2025-02-20. Review status: criteria provided, single submitter. Criteria: Invitae Variant Classification Sherloc (09022015). Collection method: clinical testing. Allele origin: germline.
Comment: This sequence change replaces leucine, which is neutral and non-polar, with proline, which is neutral and non-polar, at codon 30 of the HNF1A protein (p.Leu30Pro). This variant is not present in population databases (gnomAD no frequency). This missense change has been observed in individual(s) with HNF1A-related conditions (internal data). Invitae Evidence Modeling of protein sequence and biophysical properties (such as structural, functional, and spatial information, amino acid conservation, physicochemical variation, residue mobility, and thermodynamic stability) indicates that this missense variant is not expected to disrupt HNF1A protein function with a negative predictive value of 80%. In summary, the available evidence is currently insufficient to determine the role of this variant in disease. Therefore, it has been classified as a Variant of Uncertain Significance.

Blueprint Genetics
Classification: Uncertain significance. Last evaluated: 2021-04-30. Review status: criteria provided, single submitter. Criteria: ACMG Guidelines, 2015. Collection method: clinical testing. Allele origin: germline.

NM_000545.8(HNF1A):c.89T>C (p.Leu30Pro)

Gene: HNF1A (HNF1 homeobox A; plus strand). Cytogenetic location: 12q24.31.
Variant type: single nucleotide variant.
Coding change: c.89T>C on transcript NM_000545.8 (MANE Select); coding-DNA position 89, T replaced by C.
Protein change: p.Leu30Pro; replaces leucine 30 with proline.
Molecular consequence: missense variant.
Genome position (GRCh38, 1-based): chr12:120,978,857, T>C. VCF-style: chr12-120978857-T-C. GRCh37 (hg19) VCF-style: chr12-121416660-T-C.
Other names: c.89T>C, p.Leu30Pro (NM_001306179.2, NM_001406915.1); short protein forms L30P.
Identifiers: ClinVar variation 3705119 (VCV003705119.3).